The following is an entry in ClinVar:

NM_003242.6(TGFBR2):c.671G>T (p.Arg224Leu)

Gene: TGFBR2 (transforming growth factor beta receptor 2; plus strand). Cytogenetic location: 3p24.1.
Variant type: single nucleotide variant.
Coding change: c.671G>T on transcript NM_003242.6 (MANE Select); coding-DNA position 671, G replaced by T.
Protein change: p.Arg224Leu; replaces arginine 224 with leucine.
Molecular consequence: missense variant.
Genome position (GRCh38, 1-based): chr3:30,671,854, G>T. VCF-style: chr3-30671854-G-T. GRCh37 (hg19) VCF-style: chr3-30713346-G-T.
Other names: c.746G>T, p.Arg249Leu (NM_001024847.3); c.854G>T, p.Arg285Leu (NM_001407126.1); c.779G>T, p.Arg260Leu (NM_001407127.1); c.698G>T, p.Arg233Leu (NM_001407128.1); c.674G>T, p.Arg225Leu (NM_001407129.1); c.671G>T, p.Arg224Leu (NM_001407130.1); c.566G>T, p.Arg189Leu (NM_001407132.1, NM_001407133.1, NM_001407134.1 and 2 more transcripts); c.386G>T, p.Arg129Leu (NM_001407137.1); and 1 more; short protein forms R260L, R104L, R129L, R189L, R233L, R225L, R224L, R249L.
Identifiers: ClinVar variation 1909964 (VCV001909964.5), dbSNP rs112465572, ClinGen allele CA351807616.

ClinVar aggregate classification (germline): Uncertain significance. Review status: criteria provided, multiple submitters, no conflicts (2 of 4 stars). 2 submissions from 2 submitters: Uncertain significance (2). Last evaluated 2024-08-21.

Conditions:
Familial thoracic aortic aneurysm and aortic dissection (TAAD). Also called: Thoracic aortic aneurysms and dissections. Identifiers: Orphanet 91387, MedGen C4707243, MONDO:0019625.
Loeys-Dietz syndrome 2 (LDS2). Also called: Marfan Syndrome type 2; Marfan like connective tissue disorder; MFS 2; TGFBR2-Related Loeys-Dietz Syndrome; AORTIC ANEURYSM, FAMILIAL THORACIC 3; MARFAN SYNDROME, TYPE II. Identifiers: Orphanet 284973, Orphanet 558, MedGen C2674574, MONDO:0012427, OMIM 610168.

Submissions (2):

Labcorp Genetics (formerly Invitae), Labcorp
Classification: Uncertain significance for Familial thoracic aortic aneurysm and aortic dissection. Last evaluated: 2024-08-21. Review status: criteria provided, single submitter. Criteria: Invitae Variant Classification Sherloc (09022015). Collection method: clinical testing. Allele origin: germline.
Comment: This sequence change replaces arginine, which is basic and polar, with leucine, which is neutral and non-polar, at codon 224 of the TGFBR2 protein (p.Arg224Leu). This variant is not present in population databases (gnomAD no frequency). This variant has not been reported in the literature in individuals affected with TGFBR2-related conditions. ClinVar contains an entry for this variant (Variation ID: 1909964). Invitae Evidence Modeling of protein sequence and biophysical properties (such as structural, functional, and spatial information, amino acid conservation, physicochemical variation, residue mobility, and thermodynamic stability) has been performed for this missense variant. However, the output from this modeling did not meet the statistical confidence thresholds required to predict the impact of this variant on TGFBR2 protein function. In summary, the available evidence is currently insufficient to determine the role of this variant in disease. Therefore, it has been classified as a Variant of Uncertain Significance.

All of Us Research Program, National Institutes of Health
Classification: Uncertain significance for Loeys-Dietz syndrome 2. Last evaluated: 2023-04-10. Review status: criteria provided, single submitter. Criteria: ACMG Guidelines, 2015. Collection method: clinical testing. Allele origin: germline. Inheritance: Autosomal dominant inheritance. Observed: 1 variant allele, 1 heterozygote.
Comment: This missense variant replaces arginine with leucine at codon 224 of the TGFBR2 protein. Computational prediction suggests that this variant may not impact protein structure and function (internally defined REVEL score threshold <= 0.5, PMID: 27666373). To our knowledge, functional studies have not been reported for this variant. This variant has not been reported in individuals affected with TGFBR2-related disorders in the literature. This variant has not been identified in the general population by the Genome Aggregation Database (gnomAD). The available evidence is insufficient to determine the role of this variant in disease conclusively. Therefore, this variant is classified as a Variant of Uncertain Significance.

This study involves interpretation of variants in research participants for the purpose of population health screening. Participant phenotype was not available at the time of variant classification. Additional details can be found in publication PMID: 35346344, PMCID: PMC8962531